The following is an entry in ClinVar:

ClinVar aggregate classification (germline): Uncertain significance. Review status: criteria provided, multiple submitters, no conflicts (2 of 4 stars). 2 submissions from 2 submitters: Uncertain significance (2). Last evaluated 2025-08-14.

Conditions:
Inborn genetic diseases. Identifiers: MedGen C0950123, MeSH D030342.
Nemaline myopathy 8 (NEM8). Also called: Nemaline myopathy 8, autosomal recessive. Identifiers: Orphanet 171430, MedGen C3809209, MONDO:0014138, OMIM 615348.

Allele frequency attached by ClinVar (database versions not stated): 1000 Genomes Project 30x 0.00016; gnomAD 0.00022; ExAC below 0.00001; gnomAD exomes 0.00001; ESP Exome Variant Server 0.00008; TOPMed 0.00012.

Submissions (2):

Ambry Genetics
Classification: Uncertain significance for Inborn genetic diseases. Last evaluated: 2025-08-14. Review status: criteria provided, single submitter. Criteria: Ambry Variant Classification Scheme 2023. Collection method: clinical testing. Allele origin: germline.

Labcorp Genetics (formerly Invitae), Labcorp
Classification: Uncertain significance for Nemaline myopathy 8. Last evaluated: 2022-08-04. Review status: criteria provided, single submitter. Criteria: Invitae Variant Classification Sherloc (09022015). Collection method: clinical testing. Allele origin: germline.
Comment: This sequence change replaces arginine, which is basic and polar, with cysteine, which is neutral and slightly polar, at codon 215 of the KLHL40 protein (p.Arg215Cys). In summary, the available evidence is currently insufficient to determine the role of this variant in disease. Therefore, it has been classified as a Variant of Uncertain Significance. Algorithms developed to predict the effect of sequence changes on RNA splicing suggest that this variant may create or strengthen a splice site. Algorithms developed to predict the effect of missense changes on protein structure and function are either unavailable or do not agree on the potential impact of this missense change (SIFT: "Deleterious"; PolyPhen-2: "Benign"; Align-GVGD: "Class C25"). ClinVar contains an entry for this variant (Variation ID: 474337). This variant has not been reported in the literature in individuals affected with KLHL40-related conditions. The frequency data for this variant in the population databases is considered unreliable, as metrics indicate poor data quality at this position in the gnomAD database.

NM_152393.4(KLHL40):c.643C>T (p.Arg215Cys)

Gene: KLHL40 (kelch like family member 40; plus strand). Cytogenetic location: 3p22.1.
Variant type: single nucleotide variant.
Coding change: c.643C>T on transcript NM_152393.4 (MANE Select); coding-DNA position 643, C replaced by T.
Protein change: p.Arg215Cys; replaces arginine 215 with cysteine.
Molecular consequence: missense variant.
Genome position (GRCh38, 1-based): chr3:42,686,261, C>T. VCF-style: chr3-42686261-C-T. GRCh37 (hg19) VCF-style: chr3-42727753-C-T.
Other names: c.643C>T (NM_152393.2); short protein forms R215C.
Identifiers: ClinVar variation 474337 (VCV000474337.6), dbSNP rs376618797, ClinGen allele CA2336706.